The following is an entry in ClinVar:

NM_000059.4(BRCA2):c.9690_9696del (p.Leu3230fs)

Gene: BRCA2 (BRCA2 DNA repair associated; plus strand). Cytogenetic location: 13q13.1.
Variant type: Deletion.
Coding change: c.9690_9696del on transcript NM_000059.4 (MANE Select); coding-DNA positions 9690 to 9696, 7 bases deleted (ATCACTT; older notation c.9690_9696delATCACTT).
Protein change: p.Leu3230fs; shifts the reading frame from leucine 3230.
Molecular consequence: frameshift variant.
Genome position (GRCh38, 1-based): chr13:32,398,203-32,398,209, ATCACTT deleted; deleting any 7 consecutive bases within chr13:32,398,201-32,398,209 gives the same sequence; the c. name uses the placement nearest the transcript's 3' end. VCF-style (leftmost placement, unchanged base first): chr13-32398200-TTTATCAC-T. GRCh37 (hg19) VCF-style: chr13-32972337-TTTATCAC-T.
Other names: short protein forms L3230fs.
Identifiers: ClinVar variation 1069551 (VCV001069551.9), dbSNP rs2137662870, ClinGen allele CA2499222395.

ClinVar aggregate classification (germline): Pathogenic (1 of 4 stars; one submission).

Conditions:
Hereditary breast ovarian cancer syndrome. Also called: Breast and ovarian cancer; BRCA1- and BRCA2-Associated Hereditary Breast and Ovarian Cancer; Hereditary breast and ovarian cancer syndrome; Hereditary breast and/or ovarian cancer syndrome; Hereditary breast and ovarian cancer; Hereditary breast and ovarian cancer syndrome (HBOC). Identifiers: Orphanet 145, MedGen C0677776, MeSH D061325, MONDO:0003582. Disease mechanism: loss of function.

Submission:

Labcorp Genetics (formerly Invitae), Labcorp
Classification: Pathogenic for Hereditary breast ovarian cancer syndrome. Last evaluated: 2020-07-09. Review status: criteria provided, single submitter. Criteria: Invitae Variant Classification Sherloc (09022015). Collection method: clinical testing. Allele origin: germline.
Comment: For these reasons, this variant has been classified as Pathogenic. This variant disrupts the C-terminus of the BRCA2 protein. Other variant(s) that disrupt this region (p.Tyr3308*) have been determined to be pathogenic (PMID: 17026620, 22711857, 8896551, 18097605, 20104584, 18593900, 18607349). This suggests that variants that disrupt this region of the protein are likely to be causative of disease. This variant has not been reported in the literature in individuals with BRCA2-related conditions. This variant is not present in population databases (ExAC no frequency). This sequence change results in a premature translational stop signal in the BRCA2 gene (p.Leu3230Phefs*17). While this is not anticipated to result in nonsense mediated decay, it is expected to disrupt the last 189 amino acids of the BRCA2 protein.

Literature cited by the submitters: PubMed 17026620; PubMed 22711857; PubMed 8896551; PubMed 18097605; PubMed 20104584; PubMed 18593900; PubMed 18607349.